The following is an entry in ClinVar:

NM_004036.5(ADCY3):c.956+4C>T

Gene: ADCY3 (adenylate cyclase 3; minus strand). Cytogenetic location: 2p23.3.
Variant type: single nucleotide variant.
Coding change: c.956+4C>T on transcript NM_004036.5 (MANE Select); 4 bases into the intron after coding-DNA position 956, C replaced by T.
Molecular consequence: intron variant.
Genome position (GRCh38, 1-based): chr2:24,842,250, G>A on the plus strand (C>T on the coding strand, the complement: ADCY3 is on the minus strand). VCF-style: chr2-24842250-G-A. GRCh37 (hg19) VCF-style: chr2-25065119-G-A.
Other names: c.956+4C>T (NM_001377130.1, NM_001377129.1, NM_001320613.2 and 2 more transcripts); c.233+4C>T (NM_001377131.1).
Identifiers: ClinVar variation 3354941 (VCV003354941.1).

ClinVar aggregate classification (germline): Likely benign (0 of 4 stars; one submission).

Conditions:
ADCY3-related disorder. Also called: ADCY3-related condition.

gnomAD v4.1: 27 of 1,613,874 alleles (0.0017%); highest among the groups gnomAD compares: East Asian, 0.0022%; no homozygotes.

Submission:

PreventionGenetics, part of Exact Sciences
Classification: Likely benign for ADCY3-related condition. Last evaluated: 2023-10-25. Review status: no assertion criteria provided. Collection method: clinical testing. Allele origin: germline.
Comment: This variant is classified as likely benign based on ACMG/AMP sequence variant interpretation guidelines (Richards et al. 2015 PMID: 25741868, with internal and published modifications).